The following is an entry in ClinVar:

NM_000384.3(APOB):c.5553T>C (p.Tyr1851=)

Gene: APOB (apolipoprotein B; minus strand). Cytogenetic location: 2p24.1.
Variant type: single nucleotide variant.
Coding change: c.5553T>C on transcript NM_000384.3 (MANE Select); coding-DNA position 5553, T replaced by C.
Protein change: p.Tyr1851=; no amino-acid change (tyrosine 1851 retained).
Molecular consequence: synonymous variant.
Genome position (GRCh38, 1-based): chr2:21,011,315, A>G on the plus strand (T>C on the coding strand, the complement: APOB is on the minus strand). VCF-style: chr2-21011315-A-G. GRCh37 (hg19) VCF-style: chr2-21234187-A-G.
Identifiers: ClinVar variation 3393012 (VCV003393012.1).
Genomic context (GRCh38, chr2:21,011,315, plus strand): 5'-GTCTGTGTTGAGCCGATGGCTAAACTCCACACCCTGAACCTTAGCAACAGTGTCTGCTTT[A>G]TAGCTTGCTGATAAGGCAGCAGAAGAGATGGCATAGATGTGTTTTATTTCATTATTTTGG-3'
Protein context (NP_000375.3, residues 1841-1861): AISSAALSAS[Tyr1851=]KADTVAKVQG

ClinVar aggregate classification (germline): Likely benign (1 of 4 stars; one submission).

Conditions:
Familial hypercholesterolemia. Also called: Familial hypercholesterolaemia. Identifiers: MedGen C0020445, MONDO:0005439.

Submission:

GENinCode PLC
Classification: Likely benign for Familial hypercholesterolemia. Last evaluated: 2023-03-31. Review status: criteria provided, single submitter. Criteria: ACMG Guidelines, 2015. Collection method: clinical testing. Allele origin: germline.
Comment: This is a synonymous (silent) variant that is not predicted by SpliceAI to impact splicing. In addition, it occurs at a nucleotide that is not conserved. Therefore this variant has been classified as Likely Benign (BP4, BP7).